The following is an entry in ClinVar:

ClinVar aggregate classification (germline): Uncertain significance. Review status: criteria provided, multiple submitters, no conflicts (2 of 4 stars). 2 submissions from 2 submitters: Uncertain significance (2). Last evaluated 2026-07-20.

Conditions:
Familial thoracic aortic aneurysm and aortic dissection (TAAD). Also called: Thoracic aortic aneurysms and dissections. Identifiers: Orphanet 91387, MedGen C4707243, MONDO:0019625.

Submissions (2):

Ambry Genetics
Classification: Uncertain significance for Familial thoracic aortic aneurysm and aortic dissection. Last evaluated: 2026-07-20. Review status: criteria provided, single submitter. Criteria: Ambry Variant Classification Scheme 2023. Collection method: clinical testing. Allele origin: germline.
Comment: The c.259-1G>A intronic variant results from a G to A substitution one nucleotide upstream from coding exon 3 of the ACTA2 gene. This nucleotide position is highly conserved in available vertebrate species. In silico splice site analysis predicts that this alteration will weaken the native splice acceptor site and may result in the creation or strengthening of a novel splice acceptor site. Variants that disrupt the canonical splice site are expected to cause aberrant splicing, resulting in an abnormal protein or a transcript that is subject to nonsense-mediated mRNA decay. However, loss of function has not been established as a mechanism of disease. Based on the available evidence, the clinical significance of this variant remains unclear.

Color Diagnostics, LLC DBA Color Health
Classification: Uncertain significance for Familial thoracic aortic aneurysm and aortic dissection. Last evaluated: 2022-03-22. Review status: criteria provided, single submitter. Criteria: ACMG Guidelines, 2015. Collection method: clinical testing. Allele origin: germline.
Comment: This variant alters the intron 3 canonical splice acceptor site of the ACTA2 gene. Splice prediction tools suggest that this variant may disrupt RNA splicing. To our knowledge, functional studies have not been reported for this variant. This variant has not been reported in individuals affected with cardiovascular disorders in the literature. This variant has not been identified in the general population by the Genome Aggregation Database (gnomAD). The role of loss-of-function ACTA2 truncation and splice variants in autosomal dominant cardiovascular disorders is not clearly established. The available evidence is insufficient to determine the role of this variant in disease conclusively. Therefore, this variant is classified as a Variant of Uncertain Significance.

NM_001613.4(ACTA2):c.259-1G>A

Gene: ACTA2 (actin alpha 2, smooth muscle; minus strand). Cytogenetic location: 10q23.31.
Variant type: single nucleotide variant.
Coding change: c.259-1G>A on transcript NM_001613.4 (MANE Select); the canonical splice acceptor site of the intron before coding-DNA position 259, G replaced by A.
Molecular consequence: splice acceptor variant. On other transcripts: intron variant (1).
Genome position (GRCh38, 1-based): chr10:88,943,908, C>T on the plus strand (G>A on the coding strand, the complement: ACTA2 is on the minus strand). VCF-style: chr10-88943908-C-T. GRCh37 (hg19) VCF-style: chr10-90703665-C-T.
Other names: c.130-1G>A (NM_001406467.1, NM_001406468.1, NM_001406469.1); c.259-1G>A (NM_001320855.2, NM_001406462.1, NM_001406471.1 and 3 more transcripts); c.259-2039G>A (NM_001406466.1).
Identifiers: ClinVar variation 519583 (VCV000519583.10), dbSNP rs1210919054, ClinGen allele CA377513021.
Genomic context (GRCh38, chr10:88,943,908, plus strand): 5'-CAGGGTGGGATGCTCTTCAGGGGCAACACGAAGCTCATTGTAGAAAGAGTGGTGCCAGAT[C>T]TAGTGAGTTGGGGGACAGAGGAGAAACACAATGATGTGCTGTCATGAGGTCCTGCATTTC-3'